The following is an entry in ClinVar:

ClinVar aggregate classification (germline): Conflicting classifications of pathogenicity. Review status: criteria provided, conflicting classifications (1 of 4 stars). 3 submissions from 3 submitters: Uncertain significance (2); Likely benign (1). Last evaluated 2026-02-03.

Conditions:
Hereditary cancer-predisposing syndrome. Also called: Neoplastic Syndromes, Hereditary; Tumor predisposition; Hereditary Cancer Syndrome; Hereditary neoplastic syndrome. Identifiers: Orphanet 140162, MedGen C0027672, MeSH D009386, MONDO:0015356.
Familial cancer of breast. Also called: BREAST CANCER, FAMILIAL; Hereditary breast cancer; hereditary breast carcinoma. Identifiers: Orphanet 227535, MedGen C0346153, MONDO:0016419, OMIM 114480. Disease mechanism: loss of function.

Allele frequency attached by ClinVar (database versions not stated): gnomAD exomes below 0.00001; ExAC 0.00001.

Submissions (3):

Labcorp Genetics (formerly Invitae), Labcorp
Classification: Uncertain significance for Familial cancer of breast. Last evaluated: 2026-02-03. Review status: criteria provided, single submitter. Criteria: Invitae Variant Classification Sherloc (09022015). Collection method: clinical testing. Allele origin: germline.
Comment: This sequence change replaces isoleucine, which is neutral and non-polar, with valine, which is neutral and non-polar, at codon 1031 of the PALB2 protein (p.Ile1031Val). This variant is present in population databases (rs757946618, gnomAD 0.003%). This variant has not been reported in the literature in individuals affected with PALB2-related conditions. ClinVar contains an entry for this variant (Variation ID: 482057). Invitae Evidence Modeling of protein sequence and biophysical properties (such as structural, functional, and spatial information, amino acid conservation, physicochemical variation, residue mobility, and thermodynamic stability) indicates that this missense variant is not expected to disrupt PALB2 protein function with a negative predictive value of 80%. In summary, the available evidence is currently insufficient to determine the role of this variant in disease. Therefore, it has been classified as a Variant of Uncertain Significance.

Color Diagnostics, LLC DBA Color Health
Classification: Uncertain significance for Hereditary cancer-predisposing syndrome. Last evaluated: 2024-08-12. Review status: criteria provided, single submitter. Criteria: ACMG Guidelines, 2015. Collection method: clinical testing. Allele origin: germline.
Comment: This missense variant replaces isoleucine with valine at codon 1031 of the PALB2 protein. Computational prediction suggests that this variant may not impact protein structure and function (internally defined REVEL score threshold <= 0.5, PMID: 27666373). To our knowledge, functional studies have not been reported for this variant. This variant has not been reported in individuals affected with PALB2-related disorders in the literature. This variant has been identified in 1/251432 chromosomes in the general population by the Genome Aggregation Database (gnomAD). The available evidence is insufficient to determine the role of this variant in disease conclusively. Therefore, this variant is classified as a Variant of Uncertain Significance.

Ambry Genetics
Classification: Likely benign for Hereditary cancer-predisposing syndrome. Last evaluated: 2017-03-24. Review status: criteria provided, single submitter. Criteria: Ambry Variant Classification Scheme 2023. Collection method: clinical testing. Allele origin: germline.

NM_024675.4(PALB2):c.3091A>G (p.Ile1031Val)

Gene: PALB2 (partner and localizer of BRCA2; minus strand). Cytogenetic location: 16p12.2.
Variant type: single nucleotide variant.
Coding change: c.3091A>G on transcript NM_024675.4 (MANE Select); coding-DNA position 3091, A replaced by G.
Protein change: p.Ile1031Val; replaces isoleucine 1031 with valine.
Molecular consequence: missense variant.
Genome position (GRCh38, 1-based): chr16:23,621,384, T>C on the plus strand (A>G on the coding strand, the complement: PALB2 is on the minus strand). VCF-style: chr16-23621384-T-C. GRCh37 (hg19) VCF-style: chr16-23632705-T-C.
Other names: short protein forms I1031V.
Identifiers: ClinVar variation 482057 (VCV000482057.7), dbSNP rs757946618, ClinGen allele CA7963438.